The following is an entry in ClinVar:

ClinVar aggregate classification (germline): Uncertain significance (1 of 4 stars; one submission).

Conditions:
Ehlers-Danlos syndrome, classic type, 1 (EDSCL1). Also called: EHLERS-DANLOS SYNDROME, GRAVIS TYPE; EHLERS-DANLOS SYNDROME, SEVERE CLASSIC TYPE; Ehlers-Danlos syndrome, type 1; Ehlers-Danlos Syndrome, Classic Type, COL5A1-Related; EDS I. Identifiers: MedGen C0268335, MONDO:0019567, OMIM 130000.
Osteogenesis imperfecta type I (OI1). Also called: OI, TYPE I; OSTEOGENESIS IMPERFECTA TARDA; OSTEOGENESIS IMPERFECTA WITH BLUE SCLERAE; Osteogenesis imperfecta type 1; Lobstein's Disease; Lobstein disease. Identifiers: Orphanet 216796, Orphanet 666, MedGen C0023931, MONDO:0008146, OMIM 166200. Disease mechanism: loss of function.

gnomAD v4.1: 3 of 1,614,062 alleles (0.00019%); highest among the groups gnomAD compares: East Asian, 0.0067%; no homozygotes.

Submission:

Labcorp Genetics (formerly Invitae), Labcorp
Classification: Uncertain significance for Osteogenesis imperfecta type I; Ehlers-Danlos syndrome, classic type, 1. Last evaluated: 2025-11-15. Review status: criteria provided, single submitter. Criteria: Invitae Variant Classification Sherloc (09022015). Collection method: clinical testing. Allele origin: germline.
Comment: This sequence change replaces glutamic acid, which is acidic and polar, with aspartic acid, which is acidic and polar, at codon 1282 of the COL1A2 protein (p.Glu1282Asp). This variant is present in population databases (rs776169321, gnomAD 0.01%). This variant has not been reported in the literature in individuals affected with COL1A2-related conditions. ClinVar contains an entry for this variant (Variation ID: 3760671). Invitae Evidence Modeling of protein sequence and biophysical properties (such as structural, functional, and spatial information, amino acid conservation, physicochemical variation, residue mobility, and thermodynamic stability) indicates that this missense variant is not expected to disrupt COL1A2 protein function with a negative predictive value of 95%. In summary, the available evidence is currently insufficient to determine the role of this variant in disease. Therefore, it has been classified as a Variant of Uncertain Significance.

NM_000089.4(COL1A2):c.3846G>C (p.Glu1282Asp)

Gene: COL1A2 (collagen type I alpha 2 chain; plus strand). Cytogenetic location: 7q21.3.
Variant type: single nucleotide variant.
Coding change: c.3846G>C on transcript NM_000089.4 (MANE Select); coding-DNA position 3846, G replaced by C.
Protein change: p.Glu1282Asp; replaces glutamic acid 1282 with aspartic acid.
Molecular consequence: missense variant.
Genome position (GRCh38, 1-based): chr7:94,429,322, G>C. VCF-style: chr7-94429322-G-C. GRCh37 (hg19) VCF-style: chr7-94058634-G-C.
Other names: short protein forms E1282D.
Identifiers: ClinVar variation 3760671 (VCV003760671.2).